The following is an entry in ClinVar:

NM_000088.4(COL1A1):c.2249C>G (p.Pro750Arg)

Gene: COL1A1 (collagen type I alpha 1 chain; minus strand). Cytogenetic location: 17q21.33.
Variant type: single nucleotide variant.
Coding change: c.2249C>G on transcript NM_000088.4 (MANE Select); coding-DNA position 2249, C replaced by G.
Protein change: p.Pro750Arg; replaces proline 750 with arginine.
Molecular consequence: missense variant.
Genome position (GRCh38, 1-based): chr17:50,190,911, G>C on the plus strand (C>G on the coding strand, the complement: COL1A1 is on the minus strand). VCF-style: chr17-50190911-G-C. GRCh37 (hg19) VCF-style: chr17-48268272-G-C.
Other names: short protein forms P750R.
Identifiers: ClinVar variation 1721435 (VCV001721435.6), dbSNP rs2509194351, ClinGen allele CA400210459.

ClinVar aggregate classification (germline): Uncertain significance (1 of 4 stars; one submission).

Conditions:
Osteogenesis imperfecta type I (OI1). Also called: Classic Non-deforming Osteogenesis Imperfecta with Blue Sclerae; OI, TYPE I; OSTEOGENESIS IMPERFECTA TARDA; OSTEOGENESIS IMPERFECTA WITH BLUE SCLERAE; Osteogenesis imperfecta type 1; Lobstein's Disease. Identifiers: Orphanet 216796, Orphanet 666, MedGen C0023931, MONDO:0008146, OMIM 166200. Disease mechanism: loss of function.

Submission:

Labcorp Genetics (formerly Invitae), Labcorp
Classification: Uncertain significance for Osteogenesis imperfecta type I. Last evaluated: 2022-10-11. Review status: criteria provided, single submitter. Criteria: Invitae Variant Classification Sherloc (09022015). Collection method: clinical testing. Allele origin: germline.
Comment: This variant is not present in population databases (gnomAD no frequency). In summary, the available evidence is currently insufficient to determine the role of this variant in disease. Therefore, it has been classified as a Variant of Uncertain Significance. Advanced modeling of protein sequence and biophysical properties (such as structural, functional, and spatial information, amino acid conservation, physicochemical variation, residue mobility, and thermodynamic stability) performed at Invitae indicates that this missense variant is not expected to disrupt COL1A1 protein function. This variant has not been reported in the literature in individuals affected with COL1A1-related conditions. This sequence change replaces proline, which is neutral and non-polar, with arginine, which is basic and polar, at codon 750 of the COL1A1 protein (p.Pro750Arg).